The following is an entry in ClinVar:

ClinVar aggregate classification (germline): Uncertain significance (1 of 4 stars; one submission).

gnomAD v4.1: 1 of 1,613,902 alleles (0.000062%); no homozygotes.

Submission:

Labcorp Genetics (formerly Invitae), Labcorp
Classification: Uncertain significance. Last evaluated: 2024-05-02. Review status: criteria provided, single submitter. Criteria: Invitae Variant Classification Sherloc (09022015). Collection method: clinical testing. Allele origin: germline.
Comment: This sequence change replaces phenylalanine, which is neutral and non-polar, with leucine, which is neutral and non-polar, at codon 150 of the C1S protein (p.Phe150Leu). This variant is not present in population databases (gnomAD no frequency). This variant has not been reported in the literature in individuals affected with C1S-related conditions. An algorithm developed to predict the effect of missense changes on protein structure and function (PolyPhen-2) suggests that this variant is likely to be tolerated. In summary, the available evidence is currently insufficient to determine the role of this variant in disease. Therefore, it has been classified as a Variant of Uncertain Significance.

NM_001734.5(C1S):c.448T>C (p.Phe150Leu)

Gene: C1S (complement C1s; plus strand). Cytogenetic location: 12p13.31.
Variant type: single nucleotide variant.
Coding change: c.448T>C on transcript NM_001734.5 (MANE Select); coding-DNA position 448, T replaced by C.
Protein change: p.Phe150Leu; replaces phenylalanine 150 with leucine.
Molecular consequence: missense variant. On other transcripts: 5 prime UTR variant (1).
Genome position (GRCh38, 1-based): chr12:7,064,323, T>C. VCF-style: chr12-7064323-T-C. GRCh37 (hg19) VCF-style: chr12-7171627-T-C.
Other names: c.-54T>C (NM_001346850.2); c.448T>C, p.Phe150Leu (NM_201442.4); short protein forms F150L.
Identifiers: ClinVar variation 3651855 (VCV003651855.2).
Genomic context (GRCh38, chr12:7,064,323, plus strand): 5'-GTAGACATAAATGAATGCACAGATTTTGTAGATGTCCCTTGTAGCCACTTCTGCAACAAT[T>C]TCATTGGTGGTTACTTCTGCTCCTGCCCCCCGGAATATTTCCTCCATGATGACATGAAGA-3'
Protein context (NP_001725.1, residues 140-160): DVPCSHFCNN[Phe150Leu]IGGYFCSCPP